The following is an entry in ClinVar:

ClinVar aggregate classification (germline): Benign/Likely benign. Review status: criteria provided, multiple submitters, no conflicts (2 of 4 stars). 3 submissions from 3 submitters: Benign (1); Likely benign (2). Last evaluated 2025-07-23.

Conditions:
Breast-ovarian cancer, familial, susceptibility to, 3. Also called: RAD51C-Related Breast/Ovarian Cancer. Identifiers: Orphanet 145, MedGen C3150659, MONDO:0013253, OMIM 613399.
Hereditary cancer-predisposing syndrome. Also called: Neoplastic Syndromes, Hereditary; Tumor predisposition; Hereditary neoplastic syndrome; Hereditary Cancer Syndrome. Identifiers: Orphanet 140162, MedGen C0027672, MeSH D009386, MONDO:0015356.
Fanconi anemia complementation group O. Also called: RAD51C-Related Fanconi Anemia. Identifiers: Orphanet 84, MedGen C3150653, MONDO:0013248, OMIM 613390.

Submissions (3):

Labcorp Genetics (formerly Invitae), Labcorp
Classification: Likely benign for Fanconi anemia complementation group O. Last evaluated: 2025-07-23. Review status: criteria provided, single submitter. Criteria: Invitae Variant Classification Sherloc (09022015). Collection method: clinical testing. Allele origin: germline.

Myriad Genetics, Inc.
Classification: Benign for Breast-ovarian cancer, familial, susceptibility to, 3. Last evaluated: 2025-02-19. Review status: criteria provided, single submitter. Criteria: Myriad Autosomal Dominant, Autosomal Recessive and X-Linked Classification Criteria (2023). Collection method: clinical testing. Allele origin: unknown.
Comment: This variant is considered benign. This variant is a silent/synonymous amino acid change and it is not expected to impact splicing.

Ambry Genetics
Classification: Likely benign for Hereditary cancer-predisposing syndrome. Last evaluated: 2021-08-10. Review status: criteria provided, single submitter. Criteria: Ambry Variant Classification Scheme 2023. Collection method: clinical testing. Allele origin: germline.

NM_058216.3(RAD51C):c.885C>G (p.Ala295=)

Gene: RAD51C (RAD51 paralog C; plus strand). Cytogenetic location: 17q22.
Variant type: single nucleotide variant.
Coding change: c.885C>G on transcript NM_058216.3 (MANE Select); coding-DNA position 885, C replaced by G.
Protein change: p.Ala295=; no amino-acid change (alanine 295 retained).
Molecular consequence: synonymous variant. On other transcripts: non-coding transcript variant (1).
Genome position (GRCh38, 1-based): chr17:58,720,793, C>G. VCF-style: chr17-58720793-C-G. GRCh37 (hg19) VCF-style: chr17-56798154-C-G.
Other names: c.*313C>G (NM_058217.1).
Identifiers: ClinVar variation 1764903 (VCV001764903.4), dbSNP rs2143931388, ClinGen allele CA501075808.
Genomic context (GRCh38, chr17:58,720,793, plus strand): 5'-TTTGTTTTTGTAGGTAATTTTAACCAATCAGATGACAACAAAGATTGATAGAAATCAGGC[C>G]TTGCTTGTTCCTGCATTAGGTGGGTAATTAATCAGATAAACATTTTAGTTTATCACAGTT-3'
Protein context (NP_478123.1, residues 285-305): QMTTKIDRNQ[Ala295=]LLVPALGESW